The following is an entry in ClinVar:

NM_138704.4(NSMCE3):c.635A>G (p.Lys212Arg)

Genes: ENTREP2 (endosomal transmembrane epsin interactor 2; minus strand), NSMCE3 (NSE3 homolog, SMC5-SMC6 complex component; minus strand). Cytogenetic location: 15q13.1.
Variant type: single nucleotide variant.
Coding change: c.635A>G on transcript NM_138704.4 (MANE Select); coding-DNA position 635, A replaced by G.
Protein change: p.Lys212Arg; replaces lysine 212 with arginine.
Molecular consequence: missense variant. On other transcripts: intron variant (5).
Genome position (GRCh38, 1-based): chr15:29,269,071, T>C on the plus strand (A>G on the coding strand, the complement: NSMCE3 is on the minus strand). VCF-style: chr15-29269071-T-C. GRCh37 (hg19) VCF-style: chr15-29561275-T-C.
Other names: c.-12-16593A>G (NM_001387217.1, NM_001387215.1, NM_001387216.1); c.277-16593A>G (NM_001387214.1, NM_015307.2); short protein forms K212R.
Identifiers: ClinVar variation 1377198 (VCV001377198.4), dbSNP rs1310490469, ClinGen allele CA391483832.
Genomic context (GRCh38, chr15:29,269,071, plus strand): 5'-TAACGCTGTCGCACAAAGTCCTCAGTAATGAGTTTCTTTGGATCTCCGAAAATTAAATGC[T>C]TCTTGGTGGGGTAGACCCCTAAGCGCCGCAGAAAGTCCCAGGCTTCAGTTTCCTTGATGG-3'
Protein context (NP_619649.1, residues 202-222): LRRLGVYPTK[Lys212Arg]HLIFGDPKKL

ClinVar aggregate classification (germline): Uncertain significance (1 of 4 stars; one submission).

Allele frequency attached by ClinVar (database versions not stated): gnomAD exomes below 0.00001; TOPMed 0.00001.
gnomAD v4.1: 1 of 1,614,118 alleles (0.000062%); highest among the groups gnomAD compares: Admixed American, 0.0017%; no homozygotes.

Submission:

Labcorp Genetics (formerly Invitae), Labcorp
Classification: Uncertain significance. Last evaluated: 2024-10-29. Review status: criteria provided, single submitter. Criteria: Invitae Variant Classification Sherloc (09022015). Collection method: clinical testing. Allele origin: germline.
Comment: This sequence change replaces lysine, which is basic and polar, with arginine, which is basic and polar, at codon 212 of the NSMCE3 protein (p.Lys212Arg). This variant is present in population databases (no rsID available, gnomAD 0.003%). This variant has not been reported in the literature in individuals affected with NSMCE3-related conditions. ClinVar contains an entry for this variant (Variation ID: 1377198). Invitae Evidence Modeling of protein sequence and biophysical properties (such as structural, functional, and spatial information, amino acid conservation, physicochemical variation, residue mobility, and thermodynamic stability) indicates that this missense variant is not expected to disrupt NSMCE3 protein function with a negative predictive value of 80%. In summary, the available evidence is currently insufficient to determine the role of this variant in disease. Therefore, it has been classified as a Variant of Uncertain Significance.